The following is an entry in ClinVar:

ClinVar aggregate classification (germline): Uncertain significance (1 of 4 stars; one submission).

Allele frequency attached by ClinVar (database versions not stated): gnomAD exomes 0.00001; gnomAD 0.00003; TOPMed 0.00003; ExAC 0.00004; ESP Exome Variant Server 0.00015.
gnomAD v4.1: 26 of 1,610,980 alleles (0.0016%); highest among the groups gnomAD compares: Admixed American, 0.005%; no homozygotes.

Submission:

Labcorp Genetics (formerly Invitae), Labcorp
Classification: Uncertain significance. Last evaluated: 2022-04-28. Review status: criteria provided, single submitter. Criteria: Invitae Variant Classification Sherloc (09022015). Collection method: clinical testing. Allele origin: germline.
Comment: This variant is present in population databases (rs139939501, gnomAD 0.01%). In summary, the available evidence is currently insufficient to determine the role of this variant in disease. Therefore, it has been classified as a Variant of Uncertain Significance. Algorithms developed to predict the effect of sequence changes on RNA splicing suggest that this variant may create or strengthen a splice site. Algorithms developed to predict the effect of missense changes on protein structure and function are either unavailable or do not agree on the potential impact of this missense change (SIFT: "Tolerated"; PolyPhen-2: "Probably Damaging"; Align-GVGD: "Class C0"). This variant has not been reported in the literature in individuals affected with MMP13-related conditions. This sequence change replaces glycine, which is neutral and non-polar, with arginine, which is basic and polar, at codon 446 of the MMP13 protein (p.Gly446Arg).

NM_002427.4(MMP13):c.1336G>A (p.Gly446Arg)

Gene: MMP13 (matrix metallopeptidase 13; minus strand). Cytogenetic location: 11q22.2.
Variant type: single nucleotide variant.
Coding change: c.1336G>A on transcript NM_002427.4 (MANE Select); coding-DNA position 1336, G replaced by A.
Protein change: p.Gly446Arg; replaces glycine 446 with arginine.
Molecular consequence: missense variant.
Genome position (GRCh38, 1-based): chr11:102,944,346, C>T on the plus strand (G>A on the coding strand, the complement: MMP13 is on the minus strand). VCF-style: chr11-102944346-C-T. GRCh37 (hg19) VCF-style: chr11-102815075-C-T.
Other names: short protein forms G446R.
Identifiers: ClinVar variation 1925393 (VCV001925393.5), dbSNP rs139939501, ClinGen allele CA6251679.